The following is an entry in ClinVar:

ClinVar aggregate classification (germline): Pathogenic (1 of 4 stars; one submission).

Conditions:
Fabry disease. Also called: ALPHA-GALACTOSIDASE A DEFICIENCY; ANDERSON-FABRY DISEASE; CERAMIDE TRIHEXOSIDASE DEFICIENCY; GLA DEFICIENCY; HEREDITARY DYSTOPIC LIPIDOSIS; Angiokeratoma corporis diffusum. Identifiers: Orphanet 324, MedGen C0002986, MONDO:0010526, OMIM 301500, HP:0001071. Disease mechanism: Fabry disease is due to inactivating mutations in the X-linked GLA gene resulting in deficiency of the enzyme Alpha Galactosidase-A., loss of function.

Submission:

Genomenon, Inc
Classification: Pathogenic for Fabry disease. Last evaluated: 2026-09-08. Review status: criteria provided, single submitter. Criteria: Genomenon Sequence Variant Interpretation Standards - Updated. Collection method: curation. Allele origin: germline. Affected: yes.
Comment: GLA c.801+2T>C is a canonical splice variant affecting the donor splice site of intron 5. It is predicted to affect mRNA splicing, leading to a deleterious effect on the GLA protein. This variant has been observed in at least one proband with clinical features consistent with Fabry disease (PMID:11668641;33073010;12605057). Functional or patient cell studies have been reported (PMID:12605057). It is absent or not present at a significant frequency in gnomAD. In conclusion, we classify GLA c.801+2T>C as a pathogenic variant.

Literature cited by the submitters: PubMed 11668641; PubMed 33073010; PubMed 12605057.

NM_000169.3(GLA):c.801+2T>C

Genes: GLA (galactosidase alpha; minus strand), RPL36A-HNRNPH2 (RPL36A-HNRNPH2 readthrough; plus strand). Cytogenetic location: Xq22.1.
Variant type: single nucleotide variant.
Coding change: c.801+2T>C on transcript NM_000169.3 (MANE Select); the canonical splice donor site of the intron after coding-DNA position 801, T replaced by C.
Molecular consequence: splice donor variant. On other transcripts: intron variant (2).
Genome position (GRCh38, 1-based): chrX:101,398,783, A>G on the plus strand (T>C on the coding strand, the complement: GLA is on the minus strand). VCF-style: chrX-101398783-A-G. GRCh37 (hg19) VCF-style: chrX-100653771-A-G.
Other names: c.300+3326A>G (NM_001199973.2); c.177+6961A>G (NM_001199974.2); c.924+2T>C (NM_001406747.1); c.801+2T>C (NM_001406748.1).
Identifiers: ClinVar variation 4087223 (VCV004087223.2).